The following is an entry in ClinVar:

ClinVar aggregate classification (germline): Uncertain significance. Review status: criteria provided, multiple submitters, no conflicts (2 of 4 stars). 11 submissions from 11 submitters: Uncertain significance (8). 3 of the submissions do not count toward it. Last evaluated 2026-01-11.

Conditions:
Cardiovascular phenotype. Identifiers: MedGen CN230736.
Cardiomyopathy (CMYO). Also called: Cardiomyopathies. Identifiers: Orphanet 167848, MedGen C0878544, MONDO:0004994, HP:0001638. Inheritance: Various modes of inheritance.
Hypertrophic cardiomyopathy 4. Also called: Familial hypertrophic cardiomyopathy 4. Identifiers: MedGen C1861862, MONDO:0007268, OMIM 115197.
Hypertrophic cardiomyopathy. Also called: HYPERTROPHIC MYOCARDIOPATHY. Identifiers: Orphanet 217569, MedGen C0007194, MeSH D002312, MONDO:0005045, HP:0001639.

Allele frequency attached by ClinVar (database versions not stated): gnomAD 0.00001; ExAC 0.00003; gnomAD exomes 0.00003; TOPMed 0.00004; 1000 Genomes Project 30x 0.00016; 1000 Genomes Project 0.00020.
gnomAD v4.1: 47 of 1,612,428 alleles (0.0029%); highest among the groups gnomAD compares: Admixed American, 0.005%; no homozygotes.

Submissions (11):

Labcorp Genetics (formerly Invitae), Labcorp
Classification: Uncertain significance for Hypertrophic cardiomyopathy. Last evaluated: 2026-01-11. Review status: criteria provided, single submitter. Criteria: Invitae Variant Classification Sherloc (09022015). Collection method: clinical testing. Allele origin: germline.
Comment: This sequence change replaces arginine, which is basic and polar, with tryptophan, which is neutral and slightly polar, at codon 939 of the MYBPC3 protein (p.Arg939Trp). This variant is present in population databases (rs534366414, gnomAD 0.008%). This missense change has been observed in individual(s) with hypertrophic cardiomyopathy (PMID: 21750094, 30847666, 31983221). ClinVar contains an entry for this variant (Variation ID: 403204). An algorithm developed to predict the effect of missense changes on protein structure and function (PolyPhen-2) suggests that this variant is likely to be disruptive. In summary, the available evidence is currently insufficient to determine the role of this variant in disease. Therefore, it has been classified as a Variant of Uncertain Significance.

Ambry Genetics
Classification: Uncertain significance for Cardiovascular phenotype. Last evaluated: 2025-09-05. Review status: criteria provided, single submitter. Criteria: Ambry Variant Classification Scheme 2023. Collection method: clinical testing. Allele origin: germline.
Comment: The p.R939W variant (also known as c.2815C>T), located in coding exon 27 of the MYBPC3 gene, results from a C to T substitution at nucleotide position 2815. The arginine at codon 939 is replaced by tryptophan, an amino acid with dissimilar properties. This alteration has been reported in a hypertrophic cardiomyopathy cohort; however, clinical details were limited (Waldm&uuml;ller S et al. Eur. J. Heart Fail. 2011;13:1185-92). This variant was also detected in a cardiomyopathy genetic testing cohort case; however, clinical details were limited, and an additional cardiac variant was detected (van Lint FHM et al. Neth Heart J, 2019 Jun;27:304-309).This amino acid position is not well conserved in available vertebrate species. In addition, the in silico prediction for this alteration is inconclusive. Since supporting evidence is limited at this time, the clinical significance of this alteration remains unclear.

Color Diagnostics, LLC DBA Color Health
Classification: Uncertain significance for Cardiomyopathy. Last evaluated: 2025-07-01. Review status: criteria provided, single submitter. Criteria: ACMG Guidelines, 2015. Collection method: clinical testing. Allele origin: germline.
Comment: This missense variant replaces arginine with tryptophan at codon 939 of the MYBPC3 protein. Computational prediction tool is inconclusive regarding the impact of this variant on protein structure and function. To our knowledge, functional studies have not been reported for this variant. This variant has been reported in an individual affected with hypertrophic cardiomyopathy (PMID: 21750094), in an individual affected with dilated cardiomyopathy (PMID: 31983221), and in an individual affected with noncompaction cardiomyopathy (PMID: 30847666). This variant has been identified in 9/278532 chromosomes in the general population by the Genome Aggregation Database (gnomAD). The available evidence is insufficient to determine the role of this variant in disease conclusively. Therefore, this variant is classified as a Variant of Uncertain Significance.

All of Us Research Program, National Institutes of Health
Classification: Uncertain significance for Hypertrophic cardiomyopathy. Last evaluated: 2024-08-06. Review status: criteria provided, single submitter. Criteria: ACMG Guidelines, 2015. Collection method: clinical testing. Allele origin: germline. Inheritance: Autosomal dominant inheritance. Observed: 10 variant alleles, 10 heterozygotes.
Comment: This missense variant replaces arginine with tryptophan at codon 939 of the MYBPC3 protein. Computational prediction suggests that this variant may not impact protein structure and function (internally defined REVEL score threshold <= 0.5, PMID: 27666373). To our knowledge, functional studies have not been reported for this variant. This variant has been reported in an individual affected with hypertrophic cardiomyopathy (PMID: 21750094), in an individual affected with dilated cardiomyopathy (PMID: 31983221), and in an individual affected with noncompaction cardiomyopathy (PMID: 30847666). This variant has been identified in 9/278532 chromosomes in the general population by the Genome Aggregation Database (gnomAD). The available evidence is insufficient to determine the role of this variant in disease conclusively. Therefore, this variant is classified as a Variant of Uncertain Significance.

This study involves interpretation of variants in research participants for the purpose of population health screening. Participant phenotype was not available at the time of variant classification. Additional details can be found in publication PMID: 35346344, PMCID: PMC8962531

Blueprint Genetics
Classification: Uncertain significance. Last evaluated: 2024-04-08. Review status: criteria provided, single submitter. Criteria: ACMG Guidelines, 2015. Collection method: clinical testing. Allele origin: germline.

Centre for Mendelian Genomics, University Medical Centre Ljubljana
Classification: Uncertain significance for Hypertrophic cardiomyopathy 4. Last evaluated: 2019-04-23. Review status: criteria provided, single submitter. Criteria: ACMG Guidelines, 2015. Collection method: clinical testing. Allele origin: unknown. Affected: yes.
Comment: This variant was classified as: Uncertain significance. The available evidence on this variant's pathogenicity is insufficient or conflicting. The following ACMG criteria were applied in classifying this variant: PP3.

CHEO Genetics Diagnostic Laboratory, Children's Hospital of Eastern Ontario
Classification: Uncertain significance for Cardiomyopathy. Last evaluated: 2018-04-25. Review status: criteria provided, single submitter. Criteria: ACMG Guidelines, 2015. Collection method: clinical testing. Allele origin: germline.

Laboratory for Molecular Medicine, Mass General Brigham Personalized Medicine
Classification: Uncertain significance. Last evaluated: 2016-07-26. Review status: criteria provided, single submitter. Criteria: LMM Criteria. Collection method: clinical testing. Allele origin: germline.
Comment: Variant identified in a genome or exome case(s) and assessed due to predicted null impact of the variant or pathogenic assertions in the literature or databases. Disclaimer: This variant has not undergone full assessment.

Clinical Genetics DNA and cytogenetics Diagnostics Lab, Erasmus MC, Erasmus Medical Center
Classification: Uncertain significance. Review status: no assertion criteria provided. Collection method: clinical testing. Allele origin: germline. Affected: yes. Study: VKGL Data-share Consensus. Not counted in ClinVar's aggregate classification.

Clinical Genetics, Academic Medical Center
Classification: Uncertain significance. Review status: no assertion criteria provided. Collection method: clinical testing. Allele origin: germline. Affected: yes. Study: VKGL Data-share Consensus. Not counted in ClinVar's aggregate classification.

Diagnostic Laboratory, Department of Genetics, University Medical Center Groningen
Classification: Uncertain significance for Hypertrophic cardiomyopathy 4. Review status: no assertion criteria provided. Collection method: clinical testing. Allele origin: germline. Affected: yes. Study: VKGL Data-share Consensus. Not counted in ClinVar's aggregate classification.

Literature cited by the submitters: PubMed 21750094 (cited by 4 submitters); PubMed 30847666 (cited by 4 submitters); PubMed 31983221 (cited by 4 submitters); PubMed 28679633 (cited by Ambry Genetics).

NM_000256.3(MYBPC3):c.2815C>T (p.Arg939Trp)

Gene: MYBPC3 (myosin binding protein C3; minus strand). Cytogenetic location: 11p11.2.
Variant type: single nucleotide variant.
Coding change: c.2815C>T on transcript NM_000256.3 (MANE Select); coding-DNA position 2815, C replaced by T.
Protein change: p.Arg939Trp; replaces arginine 939 with tryptophan.
Molecular consequence: missense variant.
Genome position (GRCh38, 1-based): chr11:47,335,132, G>A on the plus strand (C>T on the coding strand, the complement: MYBPC3 is on the minus strand). VCF-style: chr11-47335132-G-A. GRCh37 (hg19) VCF-style: chr11-47356683-G-A.
Other names: short protein forms R939W.
Identifiers: ClinVar variation 403204 (VCV000403204.30), dbSNP rs534366414, ClinGen allele CA078969.
Genomic context (GRCh38, chr11:47,335,132, plus strand): 5'-TGGTGGTAACAGGGGCTCCAGGCCCTGCCATATTGTGTGCCCGCACTCGGAAAAGCAGCC[G>A]GGCCCCCGTGGGCAGGTCCTTCACCAGTATCGATGTGTGCTCTGTCAGCCCCTGCAGGGC-3'
Protein context (NP_000247.2, residues 929-949): ILVKDLPTGA[Arg939Trp]LLFRVRAHNM